The following is an entry in ClinVar:

NM_001352514.2(HLCS):c.581C>T (p.Pro194Leu)

Gene: HLCS (holocarboxylase synthetase; minus strand). Cytogenetic location: 21q22.13.
Variant type: single nucleotide variant.
Coding change: c.581C>T on transcript NM_001352514.2 (MANE Select); coding-DNA position 581, C replaced by T.
Protein change: p.Pro194Leu; replaces proline 194 with leucine.
Molecular consequence: missense variant. On other transcripts: non-coding transcript variant (2).
Genome position (GRCh38, 1-based): chr21:36,937,305, G>A on the plus strand (C>T on the coding strand, the complement: HLCS is on the minus strand). VCF-style: chr21-36937305-G-A. GRCh37 (hg19) VCF-style: chr21-38309605-G-A.
Other names: c.140C>T, p.Pro47Leu (NM_000411.8, NM_001242784.3, NM_001242785.2 and 4 more transcripts); short protein forms P47L, P194L.
Identifiers: ClinVar variation 843433 (VCV000843433.8), dbSNP rs565756796, ClinGen allele CA320395975.

ClinVar aggregate classification (germline): Uncertain significance. Review status: criteria provided, multiple submitters, no conflicts (2 of 4 stars). 3 submissions from 3 submitters: Uncertain significance (2). 1 of the submissions does not count toward it. Last evaluated 2025-02-13.

Conditions:
Inborn genetic diseases. Identifiers: MedGen C0950123, MeSH D030342.
Holocarboxylase synthetase deficiency. Also called: MULTIPLE CARBOXYLASE DEFICIENCY, EARLY ONSET. Identifiers: Orphanet 79242, MedGen C0268581, MONDO:0009666, OMIM 253270.

Allele frequency attached by ClinVar (database versions not stated): gnomAD 0.00001; 1000 Genomes Project 30x 0.00016; 1000 Genomes Project 0.00020.
gnomAD v4.1: 2 of 1,614,094 alleles (0.00012%); highest among the groups gnomAD compares: Admixed American, 0.0033%; no homozygotes.

Submissions (3):

Ambry Genetics
Classification: Uncertain significance for Inborn genetic diseases. Last evaluated: 2025-02-13. Review status: criteria provided, single submitter. Criteria: Ambry Variant Classification Scheme 2023. Collection method: clinical testing. Allele origin: germline.

Labcorp Genetics (formerly Invitae), Labcorp
Classification: Uncertain significance for Holocarboxylase synthetase deficiency. Last evaluated: 2021-08-26. Review status: criteria provided, single submitter. Criteria: Invitae Variant Classification Sherloc (09022015). Collection method: clinical testing. Allele origin: germline.
Comment: This sequence change replaces proline with leucine at codon 47 of the HLCS protein (p.Pro47Leu). The proline residue is weakly conserved and there is a moderate physicochemical difference between proline and leucine. This variant is not present in population databases (ExAC no frequency). This variant has not been reported in the literature in individuals affected with HLCS-related conditions. Algorithms developed to predict the effect of missense changes on protein structure and function output the following: SIFT: "Tolerated"; PolyPhen-2: "Benign"; Align-GVGD: "Class C0". The leucine amino acid residue is found in multiple mammalian species, which suggests that this missense change does not adversely affect protein function. In summary, the available evidence is currently insufficient to determine the role of this variant in disease. Therefore, it has been classified as a Variant of Uncertain Significance.

Natera, Inc.
Classification: Uncertain significance for Holocarboxylase synthetase deficiency. Last evaluated: 2021-07-20. Review status: no assertion criteria provided. Collection method: clinical testing. Allele origin: germline. Not counted in ClinVar's aggregate classification.